The following is an entry in ClinVar:

NM_130839.5(UBE3A):c.1997A>C (p.Glu666Ala)

Genes: SNHG14 (small nucleolar RNA host gene 14; plus strand), UBE3A (ubiquitin protein ligase E3A; minus strand). Cytogenetic location: 15q11.2.
Variant type: single nucleotide variant.
Coding change: c.1997A>C on transcript NM_130839.5 (MANE Select); coding-DNA position 1997, A replaced by C.
Protein change: p.Glu666Ala; replaces glutamic acid 666 with alanine.
Molecular consequence: missense variant. On other transcripts: non-coding transcript variant (1), intron variant (1).
Genome position (GRCh38, 1-based): chr15:25,356,019, T>G on the plus strand (A>C on the coding strand, the complement: UBE3A is on the minus strand). VCF-style: chr15-25356019-T-G. GRCh37 (hg19) VCF-style: chr15-25601166-T-G.
Other names: c.2006A>C, p.Glu669Ala (NM_000462.5); c.1997A>C, p.Glu666Ala (NM_001354505.1, NM_001354538.2, NM_001354545.2); c.1937A>C, p.Glu646Ala (NM_001354506.2, NM_001354507.2, NM_001354508.2 and 16 more transcripts); c.1820A>C, p.Glu607Ala (NM_001354546.2); c.746A>C, p.Glu249Ala (NM_001354550.2); c.686A>C, p.Glu229Ala (NM_001354551.2); c.1899+672A>C (NM_001354549.2); short protein forms E607A, E666A, E229A, E249A, E669A, E646A.
Identifiers: ClinVar variation 1931520 (VCV001931520.5), dbSNP rs2077170515, ClinGen allele CA391352270.

ClinVar aggregate classification (germline): Uncertain significance (1 of 4 stars; one submission).

Conditions:
Angelman syndrome (AS). Also called: HAPPY PUPPET SYNDROME. Identifiers: Orphanet 72, MedGen C0162635, MONDO:0007113, OMIM 105830. Disease mechanism: loss of function. Inheritance: AS is caused by disruption of maternally imprinted UBE3A located within the 15q11.2-q13 Angelman syndrome/Prader-Willi syndrome (AS/PWS) region., imprinting disorder.

Allele frequency attached by ClinVar (database versions not stated): gnomAD exomes below 0.00001; TOPMed below 0.00001.
gnomAD v4.1: 1 of 1,613,816 alleles (0.000062%); highest among the groups gnomAD compares: African/African-American, 0.0013%; no homozygotes.

Submission:

Labcorp Genetics (formerly Invitae), Labcorp
Classification: Uncertain significance for Angelman syndrome. Last evaluated: 2022-01-27. Review status: criteria provided, single submitter. Criteria: Invitae Variant Classification Sherloc (09022015). Collection method: clinical testing. Allele origin: germline.
Comment: In summary, the available evidence is currently insufficient to determine the role of this variant in disease. Therefore, it has been classified as a Variant of Uncertain Significance. Algorithms developed to predict the effect of missense changes on protein structure and function are either unavailable or do not agree on the potential impact of this missense change (SIFT: "Not Available"; PolyPhen-2: "Benign"; Align-GVGD: "Not Available"). This variant has not been reported in the literature in individuals affected with UBE3A-related conditions. This variant is not present in population databases (gnomAD no frequency). This sequence change replaces glutamic acid, which is acidic and polar, with alanine, which is neutral and non-polar, at codon 646 of the UBE3A protein (p.Glu646Ala).